The following is an entry in ClinVar:

NM_016464.5(TMEM138):c.463A>G (p.Lys155Glu)

Gene: TMEM138 (transmembrane protein 138; plus strand). Cytogenetic location: 11q12.2.
Variant type: single nucleotide variant.
Coding change: c.463A>G on transcript NM_016464.5 (MANE Select); coding-DNA position 463, A replaced by G.
Protein change: p.Lys155Glu; replaces lysine 155 with glutamic acid.
Molecular consequence: missense variant. On other transcripts: non-coding transcript variant (1).
Genome position (GRCh38, 1-based): chr11:61,368,683, A>G. VCF-style: chr11-61368683-A-G. GRCh37 (hg19) VCF-style: chr11-61136155-A-G.
Other names: c.289A>G, p.Lys97Glu (NM_001330281.2); short protein forms K155E, K97E.
Identifiers: ClinVar variation 877257 (VCV000877257.11), dbSNP rs773659373, ClinGen allele CA6034669.

ClinVar aggregate classification (germline): Uncertain significance. Review status: criteria provided, multiple submitters, no conflicts (2 of 4 stars). 4 submissions from 4 submitters: Uncertain significance (4). Last evaluated 2024-10-28.

Conditions:
Inborn genetic diseases. Identifiers: MedGen C0950123, MeSH D030342.
Joubert syndrome 16 (JBTS16). Identifiers: Orphanet 2318, MedGen C3280906, MONDO:0013764, OMIM 614465.

Allele frequency attached by ClinVar (database versions not stated): gnomAD 0.00008; gnomAD exomes 0.00008 and 0.00011; TOPMed 0.00008; ExAC 0.00011.
gnomAD v4.1: 172 of 1,613,932 alleles (0.011%); highest among the groups gnomAD compares: Middle Eastern, 0.099%; no homozygotes.

Submissions (4):

Labcorp Genetics (formerly Invitae), Labcorp
Classification: Uncertain significance for Joubert syndrome 16. Last evaluated: 2024-10-28. Review status: criteria provided, single submitter. Criteria: Invitae Variant Classification Sherloc (09022015). Collection method: clinical testing. Allele origin: germline.
Comment: This sequence change replaces lysine, which is basic and polar, with glutamic acid, which is acidic and polar, at codon 155 of the TMEM138 protein (p.Lys155Glu). This variant is present in population databases (rs773659373, gnomAD 0.02%). This variant has not been reported in the literature in individuals affected with TMEM138-related conditions. ClinVar contains an entry for this variant (Variation ID: 877257). An algorithm developed to predict the effect of missense changes on protein structure and function (PolyPhen-2) suggests that this variant¬†is likely to be tolerated. In summary, the available evidence is currently insufficient to determine the role of this variant in disease. Therefore, it has been classified as a Variant of Uncertain Significance.

Ambry Genetics
Classification: Uncertain significance for Inborn genetic diseases. Last evaluated: 2024-07-27. Review status: criteria provided, single submitter. Criteria: Ambry Variant Classification Scheme 2023. Collection method: clinical testing. Allele origin: germline.

Fulgent Genetics
Classification: Uncertain significance for Joubert syndrome 16. Last evaluated: 2024-04-22. Review status: criteria provided, single submitter. Criteria: ACMG Guidelines, 2015. Collection method: clinical testing. Allele origin: germline.

Illumina Laboratory Services, Illumina
Classification: Uncertain significance for Joubert syndrome 16. Last evaluated: 2018-03-30. Review status: criteria provided, single submitter. Criteria: ICSL Variant Classification Criteria 13 December 2019. Collection method: clinical testing. Allele origin: germline.